The following is an entry in ClinVar:

ClinVar aggregate classification (germline): Uncertain significance (1 of 4 stars; one submission).

Conditions:
Nemaline myopathy 6 (NEM6). Also called: Nemaline myopathy 6, autosomal dominant. Identifiers: Orphanet 171439, MedGen C1836472, MONDO:0012237, OMIM 609273.

Submission:

Labcorp Genetics (formerly Invitae), Labcorp
Classification: Uncertain significance for Nemaline myopathy 6. Last evaluated: 2022-10-09. Review status: criteria provided, single submitter. Criteria: Invitae Variant Classification Sherloc (09022015). Collection method: clinical testing. Allele origin: germline.
Comment: In summary, the available evidence is currently insufficient to determine the role of this variant in disease. Therefore, it has been classified as a Variant of Uncertain Significance. Advanced modeling of protein sequence and biophysical properties (such as structural, functional, and spatial information, amino acid conservation, physicochemical variation, residue mobility, and thermodynamic stability) performed at Invitae indicates that this missense variant is not expected to disrupt KBTBD13 protein function. This variant has not been reported in the literature in individuals affected with KBTBD13-related conditions. This variant is not present in population databases (gnomAD no frequency). This sequence change replaces arginine, which is basic and polar, with histidine, which is basic and polar, at codon 218 of the KBTBD13 protein (p.Arg218His).

NM_001101362.3(KBTBD13):c.653G>A (p.Arg218His)

Gene: KBTBD13 (kelch repeat and BTB domain containing 13; plus strand). Cytogenetic location: 15q22.31.
Variant type: single nucleotide variant.
Coding change: c.653G>A on transcript NM_001101362.3 (MANE Select); coding-DNA position 653, G replaced by A.
Protein change: p.Arg218His; replaces arginine 218 with histidine.
Molecular consequence: missense variant.
Genome position (GRCh38, 1-based): chr15:65,077,468, G>A. VCF-style: chr15-65077468-G-A. GRCh37 (hg19) VCF-style: chr15-65369806-G-A.
Other names: short protein forms R218H.
Identifiers: ClinVar variation 1969673 (VCV001969673.5), dbSNP rs2506308814, ClinGen allele CA392862045.